The following is an entry in ClinVar:

NM_001374353.1(GLI2):c.3677C>T (p.Pro1226Leu)

Gene: GLI2 (GLI family zinc finger 2; plus strand). Cytogenetic location: 2q14.2.
Variant type: single nucleotide variant.
Coding change: c.3677C>T on transcript NM_001374353.1 (MANE Select); coding-DNA position 3677, C replaced by T.
Protein change: p.Pro1226Leu; replaces proline 1226 with leucine.
Molecular consequence: missense variant.
Genome position (GRCh38, 1-based): chr2:120,989,642, C>T. VCF-style: chr2-120989642-C-T. GRCh37 (hg19) VCF-style: chr2-121747218-C-T.
Other names: c.3728C>T, p.Pro1243Leu (NM_001371271.1, NM_005270.5); c.3302C>T, p.Pro1101Leu (NM_001374354.1); short protein forms P1101L, P1226L, P1243L.
Identifiers: ClinVar variation 1309743 (VCV001309743.3), dbSNP rs2105093808, ClinGen allele CA348175755.
Genomic context (GRCh38, chr2:120,989,642, plus strand): 5'-AGCAGCTGCGACAGCCAGTGGCAGGCAGCCAGTGTCCTGGCATGACTACCACTATGAGCC[C>T]CCATGCCTGCTATGGCCAAGTCCACCCCCAGCTGAGCCCCAGCACCATCAGTGGGGCCCT-3'
Protein context (NP_001361282.1, residues 1216-1236): QCPGMTTTMS[Pro1226Leu]HACYGQVHPQ

ClinVar aggregate classification (germline): Uncertain significance (1 of 4 stars; one submission).

Allele frequency attached by ClinVar (database versions not stated): gnomAD exomes below 0.00001.
gnomAD v4.1: 1 of 1,613,366 alleles (0.000062%); highest among the groups gnomAD compares: Non-Finnish European, 0.000085%; no homozygotes.

Submission:

GeneDx
Classification: Uncertain significance. Last evaluated: 2025-02-15. Review status: criteria provided, single submitter. Criteria: GeneDx Variant Classification Process June 2021. Collection method: clinical testing. Allele origin: germline. Affected: yes.
Comment: Not observed at significant frequency in large population cohorts (gnomAD); In silico analysis supports that this missense variant has a deleterious effect on protein structure/function; Has not been previously published as pathogenic or benign to our knowledge; This variant is associated with the following publications: (PMID: 34921505, 17096318)